The following is an entry in ClinVar:

NM_022039.4(FBXW4):c.461T>A (p.Val154Glu)

Genes: FBXW4 (F-box and WD repeat domain containing 4; minus strand), LOC130004563 (ATAC-STARR-seq lymphoblastoid silent region 2723; plus strand). Cytogenetic location: 10q24.32.
Variant type: single nucleotide variant.
Coding change: c.461T>A on transcript NM_022039.4 (MANE Select); coding-DNA position 461, T replaced by A.
Protein change: p.Val154Glu; replaces valine 154 with glutamic acid.
Molecular consequence: missense variant. On other transcripts: non-coding transcript variant (1), intron variant (1).
Genome position (GRCh38, 1-based): chr10:101,694,645, A>T on the plus strand (T>A on the coding strand, the complement: FBXW4 is on the minus strand). VCF-style: chr10-101694645-A-T. GRCh37 (hg19) VCF-style: chr10-103454402-A-T.
Other names: c.-2+595T>A (NM_001323541.2); short protein forms V154E.
Identifiers: ClinVar variation 193449 (VCV000193449.11), dbSNP rs61382490, ClinGen allele CA200589.

ClinVar aggregate classification (germline): Benign. Review status: criteria provided, multiple submitters, no conflicts (2 of 4 stars). 4 submissions from 4 submitters: Benign (4). Last evaluated 2021-05-04.

Conditions:
Split hand-foot malformation 3. Also called: Buttiens Fryns syndrome; CHROMOSOME 10q24 DUPLICATION SYNDROME; SHSF3. Identifiers: Orphanet 1307, MedGen C1838652, MONDO:0009525, OMIM 246560.

Allele frequency attached by ClinVar (database versions not stated): 1000 Genomes Project 30x 0.09510; 1000 Genomes Project 0.09525; ESP Exome Variant Server 0.10392; TOPMed 0.14702; gnomAD 0.15177 and 0.15406; gnomAD exomes 0.17364; ExAC 0.22882.
gnomAD v4.1: 260,456 of 1,415,678 alleles (18%); highest among the groups gnomAD compares: Non-Finnish European, 20%; 25,152 homozygotes.

Submissions (4):

GeneDx
Classification: Benign. Last evaluated: 2021-05-04. Review status: criteria provided, single submitter. Criteria: GeneDx Variant Classification Process June 2021. Collection method: clinical testing. Allele origin: germline. Affected: yes.

Illumina Laboratory Services, Illumina
Classification: Benign for Split hand-foot malformation 3. Last evaluated: 2018-01-13. Review status: criteria provided, single submitter. Criteria: ICSL Variant Classification Criteria 13 December 2019. Collection method: clinical testing. Allele origin: germline.
Comment: This variant was observed in the ICSL laboratory as part of a predisposition screen in an ostensibly healthy population. It had not been previously curated by ICSL or reported in the Human Gene Mutation Database (HGMD: prior to June 1st, 2018), and was therefore a candidate for classification through an automated scoring system. Utilizing variant allele frequency, disease prevalence and penetrance estimates, and inheritance mode, an automated score was calculated to assess if this variant is too frequent to cause the disease. Based on the score and internal cut-off values, a variant classified as benign is not then subjected to further curation. The score for this variant resulted in a classification of benign for this disease.

Eurofins Ntd Llc (ga)
Classification: Benign. Last evaluated: 2016-03-16. Review status: criteria provided, single submitter. Criteria: EGL Classification Definitions 2015. Collection method: clinical testing. Allele origin: germline. Observed: 3 variant alleles, 2 heterozygotes, 1 homozygote.

Breakthrough Genomics
Classification: Benign. Review status: criteria provided, single submitter. Criteria: ACMG Guidelines, 2015. Collection method: not provided. Allele origin: germline. Inheritance: Unknown mechanism. Affected: yes.